The following is an entry in ClinVar:

ClinVar aggregate classification (germline): Uncertain significance (1 of 4 stars; one submission).

Conditions:
Ehlers-Danlos syndrome, classic type, 1 (EDSCL1). Also called: EHLERS-DANLOS SYNDROME, GRAVIS TYPE; EHLERS-DANLOS SYNDROME, SEVERE CLASSIC TYPE; Ehlers-Danlos syndrome, type 1; Ehlers-Danlos Syndrome, Classic Type, COL5A1-Related; EDS I. Identifiers: MedGen C0268335, MONDO:0019567, OMIM 130000.
Osteogenesis imperfecta type I (OI1). Also called: OI, TYPE I; OSTEOGENESIS IMPERFECTA TARDA; OSTEOGENESIS IMPERFECTA WITH BLUE SCLERAE; Osteogenesis imperfecta type 1; Lobstein's Disease; Lobstein disease. Identifiers: Orphanet 216796, Orphanet 666, MedGen C0023931, MONDO:0008146, OMIM 166200. Disease mechanism: loss of function.

Submission:

Labcorp Genetics (formerly Invitae), Labcorp
Classification: Uncertain significance for Osteogenesis imperfecta type I; Ehlers-Danlos syndrome, classic type, 1. Last evaluated: 2025-02-23. Review status: criteria provided, single submitter. Criteria: Invitae Variant Classification Sherloc (09022015). Collection method: clinical testing. Allele origin: germline.
Comment: This sequence change falls in intron 22 of the COL1A2 gene. It does not directly change the encoded amino acid sequence of the COL1A2 protein. This variant is not present in population databases (gnomAD no frequency). This variant has not been reported in the literature in individuals affected with COL1A2-related conditions. Experimental studies and prediction algorithms are not available or were not evaluated, and the effect of this variant on mRNA splicing is currently unknown. In summary, the available evidence is currently insufficient to determine the role of this variant in disease. Therefore, it has been classified as a Variant of Uncertain Significance.

NM_000089.4(COL1A2):c.1251_1251+17dup

Gene: COL1A2 (collagen type I alpha 2 chain; plus strand). Cytogenetic location: 7q21.3.
Variant type: Duplication.
Coding change: c.1251_1251+17dup on transcript NM_000089.4 (MANE Select); coding-DNA position 1251 through 17 bases into the intron after coding-DNA position 1251, 18 bases duplicated (GGTAAGCTGTCTATCACT).
Molecular consequence: splice donor variant.
Genome position (GRCh38, 1-based): chr7:94,410,942-94,410,959, GGTAAGCTGTCTATCACT duplicated; duplicating any 18 consecutive bases within chr7:94,410,941-94,410,959 gives the same sequence; the c. name uses the placement nearest the transcript's 3' end. VCF-style (leftmost placement, unchanged base first): chr7-94410940-A-ATGGTAAGCTGTCTATCAC. GRCh37 (hg19) VCF-style: chr7-94040252-A-ATGGTAAGCTGTCTATCAC.
Identifiers: ClinVar variation 3759821 (VCV003759821.2).